The following is an entry in ClinVar:

NM_002087.4(GRN):c.522_523insTGTGAAGACAGGGTGCACTGCTGTC (p.His175fs)

Gene: GRN (granulin precursor; plus strand). Cytogenetic location: 17q21.31.
Variant type: Insertion.
Coding change: c.522_523insTGTGAAGACAGGGTGCACTGCTGTC on transcript NM_002087.4 (MANE Select); coding-DNA positions 522 to 523, TGTGAAGACAGGGTGCACTGCTGTC inserted.
Protein change: p.His175fs; shifts the reading frame from histidine 175.
Molecular consequence: frameshift variant.
Genome position: GRCh38 VCF-style: chr17-44350501-T-TTGTGAAGACAGGGTGCACTGCTGTC. GRCh37 (hg19) VCF-style: chr17-42427869-T-TTGTGAAGACAGGGTGCACTGCTGTC.
Other names: short protein forms H175fs.
Identifiers: ClinVar variation 599609 (VCV000599609.1), dbSNP rs1567886445, ClinGen allele CA913191163.

ClinVar aggregate classification (germline): Pathogenic (1 of 4 stars; one submission).

Conditions:
Frontotemporal dementia (FTD1). Also called: Frontotemporal lobe dementia (FLDEM); Frontotemporal Dementia with Parkinsonism-17 (FTDP-17); FRONTOTEMPORAL DEMENTIA WITH PARKINSONISM; FRONTOTEMPORAL LOBE DEMENTIA; MULTIPLE SYSTEM TAUOPATHY WITH PRESENILE DEMENTIA; WILHELMSEN-LYNCH DISEASE. Identifiers: Orphanet 282, MedGen C0338451, MONDO:0017276, OMIM 600274, HP:0002145.

Submission:

Human Genetics Group at Institute of Prion Diseases London, University College London
Classification: Pathogenic for Frontotemporal dementia. Last evaluated: 2017-02-01. Review status: criteria provided, single submitter. Criteria: Koriath et al. 2018. Collection method: research. Allele origin: unknown. Affected: yes. Observed: 1 variant allele.
Comment: Not an artifact. Frameshift mutation relatively early in the gene. Loss of function and haploinsufficiency known disease mechanism in GRN

Confirmed by Sanger sequencing